The following is an entry in ClinVar:

ClinVar aggregate classification (germline): Pathogenic (1 of 4 stars; one submission).

Submission:

CeGaT Center for Human Genetics Tuebingen
Classification: Pathogenic. Last evaluated: 2024-08-01. Review status: criteria provided, single submitter. Criteria: CeGaT Center For Human Genetics Tuebingen Variant Classification Criteria Version 2. Collection method: clinical testing. Allele origin: germline. Affected: yes. Observed: 1 variant allele.
Comment: CRYGC: PVS1:Strong, PM2, PM6, PS4:Moderate

NM_020989.4(CRYGC):c.402C>A (p.Tyr134Ter)

Genes: CRYGC (crystallin gamma C; minus strand), LOC100507443 (uncharacterized LOC100507443; plus strand). Cytogenetic location: 2q33.3.
Variant type: single nucleotide variant.
Coding change: c.402C>A on transcript NM_020989.4 (MANE Select); coding-DNA position 402, C replaced by A.
Protein change: p.Tyr134Ter; replaces tyrosine 134 with a stop codon.
Molecular consequence: nonsense.
Genome position (GRCh38, 1-based): chr2:208,128,326, G>T on the plus strand (C>A on the coding strand, the complement: CRYGC is on the minus strand). VCF-style: chr2-208128326-G-T. GRCh37 (hg19) VCF-style: chr2-208993050-G-T.
Other names: short protein forms Y134*.
Identifiers: ClinVar variation 3342206 (VCV003342206.16).
Genomic context (GRCh38, chr2:208,128,326, plus strand): 5'-GCACCGCCTGTACTCTTGGGGCCTCAGCAGGTATTGCCGCCCCCGGTAGTTGGGCAGCTC[G>T]TAGAGGACCCAGCAGCCCTCCAGCACGTGGAGGGAACGGATCTCGCTGAGGTGGAAGCGG-3'